The following is an entry in ClinVar:

ClinVar aggregate classification (germline): Benign (1 of 4 stars; one submission).

Conditions:
Pseudohypoaldosteronism type 2D (PHA2D). Also called: FAMILIAL HYPERKALEMIC HYPERTENSION; PSEUDOHYPOALDOSTERONISM, TYPE IID, AUTOSOMAL DOMINANT OR RECESSIVE; Pseudohypoaldosteronism Type IID. Identifiers: Orphanet 300525, Orphanet 757, MedGen C3469605, MONDO:0013781, OMIM 614495.

Allele frequency attached by ClinVar (database versions not stated): gnomAD 0.00002; gnomAD exomes 0.00003 and 0.00007; TOPMed 0.00003; ExAC 0.00007.
gnomAD v4.1: 49 of 1,606,006 alleles (0.0031%); highest among the groups gnomAD compares: South Asian, 0.039%; no homozygotes.

Submission:

Illumina Laboratory Services, Illumina
Classification: Benign for Pseudohypoaldosteronism type 2D. Last evaluated: 2018-01-13. Review status: criteria provided, single submitter. Criteria: ICSL Variant Classification Criteria 13 December 2019. Collection method: clinical testing. Allele origin: germline.
Comment: This variant was observed in the ICSL laboratory as part of a predisposition screen in an ostensibly healthy population. It had not been previously curated by ICSL or reported in the Human Gene Mutation Database (HGMD: prior to June 1st, 2018), and was therefore a candidate for classification through an automated scoring system. Utilizing variant allele frequency, disease prevalence and penetrance estimates, and inheritance mode, an automated score was calculated to assess if this variant is too frequent to cause the disease. Based on the score and internal cut-off values, a variant classified as benign is not then subjected to further curation. The score for this variant resulted in a classification of benign for this disease.

NM_017415.3(KLHL3):c.526+14G>A

Gene: KLHL3 (kelch like family member 3; minus strand). Cytogenetic location: 5q31.2.
Variant type: single nucleotide variant.
Coding change: c.526+14G>A on transcript NM_017415.3 (MANE Select); 14 bases into the intron after coding-DNA position 526, G replaced by A.
Molecular consequence: intron variant.
Genome position (GRCh38, 1-based): chr5:137,692,271, C>T on the plus strand (G>A on the coding strand, the complement: KLHL3 is on the minus strand). VCF-style: chr5-137692271-C-T. GRCh37 (hg19) VCF-style: chr5-137027960-C-T.
Other names: c.430+14G>A (NM_001257194.1); c.280+14G>A (NM_001257195.2).
Identifiers: ClinVar variation 906113 (VCV000906113.4), dbSNP rs762458304, ClinGen allele CA3422475.